The following is an entry in ClinVar:

NM_001103.4(ACTN2):c.1013A>T (p.Lys338Ile)

Gene: ACTN2 (actinin alpha 2; plus strand). Cytogenetic location: 1q43.
Variant type: single nucleotide variant.
Coding change: c.1013A>T on transcript NM_001103.4 (MANE Select); coding-DNA position 1013, A replaced by T.
Protein change: p.Lys338Ile; replaces lysine 338 with isoleucine.
Molecular consequence: missense variant. On other transcripts: non-coding transcript variant (1).
Genome position (GRCh38, 1-based): chr1:236,739,438, A>T. VCF-style: chr1-236739438-A-T. GRCh37 (hg19) VCF-style: chr1-236902738-A-T.
Other names: c.1013A>T, p.Lys338Ile (NM_001278343.2); short protein forms K338I.
Identifiers: ClinVar variation 4788941 (VCV004788941.1).

ClinVar aggregate classification (germline): Uncertain significance (1 of 4 stars; one submission).

Conditions:
Dilated cardiomyopathy 1AA (CMD1AA). Also called: CARDIOMYOPATHY, DILATED, 1AA, WITH OR WITHOUT LEFT VENTRICULAR NONCOMPACTION; CARDIOMYOPATHY, FAMILIAL HYPERTROPHIC, 23, WITH OR WITHOUT LEFT VENTRICULAR NONCOMPACTION; Cardiomyopathy, dilated, 1AA, with or without LVNC. Identifiers: Orphanet 154, MedGen C2677338, MONDO:0012808, OMIM 612158.
Primary familial hypertrophic cardiomyopathy (HCM). Identifiers: Orphanet 99739, MedGen C0949658, MeSH D024741, MONDO:0024573. Inheritance: Various modes of inheritance.

Submission:

Labcorp Genetics (formerly Invitae), Labcorp
Classification: Uncertain significance for Primary familial hypertrophic cardiomyopathy; Dilated cardiomyopathy 1AA. Last evaluated: 2025-08-25. Review status: criteria provided, single submitter. Criteria: Invitae Variant Classification Sherloc (09022015). Collection method: clinical testing. Allele origin: germline.
Comment: This sequence change replaces lysine, which is basic and polar, with isoleucine, which is neutral and non-polar, at codon 338 of the ACTN2 protein (p.Lys338Ile). This variant is not present in population databases (gnomAD no frequency). This variant has not been reported in the literature in individuals affected with ACTN2-related conditions. Invitae Evidence Modeling of protein sequence and biophysical properties (such as structural, functional, and spatial information, amino acid conservation, physicochemical variation, residue mobility, and thermodynamic stability) indicates that this missense variant is expected to disrupt ACTN2 protein function with a positive predictive value of 80%. In summary, the available evidence is currently insufficient to determine the role of this variant in disease. Therefore, it has been classified as a Variant of Uncertain Significance.